The following is an entry in ClinVar:

ClinVar aggregate classification (germline): Uncertain significance (1 of 4 stars; one submission).

gnomAD v4.1: 4 of 1,609,680 alleles (0.00025%); highest among the groups gnomAD compares: Non-Finnish European, 0.00034%; no homozygotes.

Submission:

Labcorp Genetics (formerly Invitae), Labcorp
Classification: Uncertain significance. Last evaluated: 2025-10-26. Review status: criteria provided, single submitter. Criteria: Invitae Variant Classification Sherloc (09022015). Collection method: clinical testing. Allele origin: germline.
Comment: This sequence change replaces leucine, which is neutral and non-polar, with proline, which is neutral and non-polar, at codon 211 of the LRP6 protein (p.Leu211Pro). This variant is present in population databases (rs770630633, gnomAD 0.003%). This variant has not been reported in the literature in individuals affected with LRP6-related conditions. Invitae Evidence Modeling of protein sequence and biophysical properties (such as structural, functional, and spatial information, amino acid conservation, physicochemical variation, residue mobility, and thermodynamic stability) indicates that this missense variant is not expected to disrupt LRP6 protein function with a negative predictive value of 80%. In summary, the available evidence is currently insufficient to determine the role of this variant in disease. Therefore, it has been classified as a Variant of Uncertain Significance.

NM_002336.3(LRP6):c.632T>C (p.Leu211Pro)

Gene: LRP6 (LDL receptor related protein 6; minus strand). Cytogenetic location: 12p13.2.
Variant type: single nucleotide variant.
Coding change: c.632T>C on transcript NM_002336.3 (MANE Select); coding-DNA position 632, T replaced by C.
Protein change: p.Leu211Pro; replaces leucine 211 with proline.
Molecular consequence: missense variant. On other transcripts: non-coding transcript variant (1), intron variant (1).
Genome position (GRCh38, 1-based): chr12:12,203,218, A>G on the plus strand (T>C on the coding strand, the complement: LRP6 is on the minus strand). VCF-style: chr12-12203218-A-G. GRCh37 (hg19) VCF-style: chr12-12356152-A-G.
Other names: c.632T>C, p.Leu211Pro (NM_001414244.1, NM_001414245.1, NM_001414246.1 and 5 more transcripts); c.179T>C, p.Leu60Pro (NM_001414252.1, NM_001414253.1, NM_001414254.1); c.450-16099T>C (NM_001414247.1); short protein forms L211P, L60P.
Identifiers: ClinVar variation 4705881 (VCV004705881.1).